The following is an entry in ClinVar:

NM_001267550.2(TTN):c.47708_47709del (p.Lys15903fs)

Genes: TTN (titin; minus strand), TTN-AS1 (TTN antisense RNA 1; plus strand). Cytogenetic location: 2q31.2.
Variant type: Deletion.
Coding change: c.47708_47709del on transcript NM_001267550.2 (MANE Select); coding-DNA positions 47708 to 47709, 2 bases deleted (AA; older notation c.47708_47709delAA).
Protein change: p.Lys15903fs; shifts the reading frame from lysine 15903.
Molecular consequence: frameshift variant.
Genome position (GRCh38, 1-based): chr2:178,617,376-178,617,377, TT deleted on the plus strand (AA on the coding strand, the reverse complement: TTN is on the minus strand); deleting any 2 consecutive bases within chr2:178,617,376-178,617,379 gives the same sequence; the c. name uses the placement nearest the transcript's 3' end. VCF-style (leftmost placement, unchanged base first): chr2-178617375-CTT-C. GRCh37 (hg19) VCF-style: chr2-179482102-CTT-C.
Other names: c.42785_42786del, p.Lys14262fs (NM_001256850.1); c.20513_20514del, p.Lys6838fs (NM_003319.4); c.40004_40005del, p.Lys13335fs (NM_133378.4); c.20888_20889del, p.Lys6963fs (NM_133432.3); c.21089_21090del, p.Lys7030fs (NM_133437.4); short protein forms K15903fs, K14262fs, K6838fs, K7030fs, K13335fs, K6963fs.
Identifiers: ClinVar variation 2029071 (VCV002029071.4), dbSNP rs2470848872, ClinGen allele CA2580065361.

ClinVar aggregate classification (germline): Likely pathogenic (1 of 4 stars; one submission).

Conditions:
Dilated cardiomyopathy 1G (CMD1G). Identifiers: Orphanet 154, MedGen C1858763, MONDO:0011400, OMIM 604145.
Autosomal recessive limb-girdle muscular dystrophy type 2J (LGMDR10). Also called: Limb-girdle muscular dystrophy, type 2J; MUSCULAR DYSTROPHY, LIMB-GIRDLE, AUTOSOMAL RECESSIVE 10. Identifiers: Orphanet 140922, MedGen C1837342, MONDO:0012127, OMIM 608807.

Submission:

Labcorp Genetics (formerly Invitae), Labcorp
Classification: Likely pathogenic for Dilated cardiomyopathy 1G; Autosomal recessive limb-girdle muscular dystrophy type 2J. Last evaluated: 2022-09-05. Review status: criteria provided, single submitter. Criteria: Invitae Variant Classification Sherloc (09022015). Collection method: clinical testing. Allele origin: germline.
Comment: This sequence change creates a premature translational stop signal (p.Lys15903Argfs*2) in the TTN gene. While this is not anticipated to result in nonsense mediated decay, it is expected to create a truncated TTN protein. In summary, the currently available evidence indicates that the variant is pathogenic, but additional data are needed to prove that conclusively. Therefore, this variant has been classified as Likely Pathogenic. This variant is located in the A band of TTN (PMID: 25589632). Truncating variants in this region are significantly overrepresented in patients affected with dilated cardiomyopathy (PMID: 25589632). Truncating variants in this region have also been reported in individuals affected with autosomal recessive centronuclear myopathy (PMID: 23975875). This variant has not been reported in the literature in individuals affected with TTN-related conditions. This variant is not present in population databases (gnomAD no frequency).

Literature cited by the submitters: PubMed 25589632; PubMed 23975875.